The following is an entry in ClinVar:

ClinVar aggregate classification (germline): Uncertain significance (1 of 4 stars; one submission).

Conditions:
Bethlem myopathy 1A. Also called: MYOPATHY, BENIGN CONGENITAL, WITH CONTRACTURES; Bethlem myopathy 1; Bethlem Muscular Dystrophy. Identifiers: Orphanet 610, MedGen CN029274, MONDO:0024530, OMIM 158810.

Allele frequency attached by ClinVar (database versions not stated): gnomAD exomes below 0.00001.
gnomAD v4.1: 1 of 1,614,060 alleles (0.000062%); highest among the groups gnomAD compares: Non-Finnish European, 0.000085%; no homozygotes.

Submission:

Labcorp Genetics (formerly Invitae), Labcorp
Classification: Uncertain significance for Bethlem myopathy 1A. Last evaluated: 2022-05-21. Review status: criteria provided, single submitter. Criteria: Invitae Variant Classification Sherloc (09022015). Collection method: clinical testing. Allele origin: germline.
Comment: Advanced modeling of protein sequence and biophysical properties (such as structural, functional, and spatial information, amino acid conservation, physicochemical variation, residue mobility, and thermodynamic stability) performed at Invitae indicates that this missense variant is not expected to disrupt COL6A3 protein function. This variant has not been reported in the literature in individuals affected with COL6A3-related conditions. This variant is not present in population databases (gnomAD no frequency). This sequence change replaces aspartic acid, which is acidic and polar, with glycine, which is neutral and non-polar, at codon 1902 of the COL6A3 protein (p.Asp1902Gly). In summary, the available evidence is currently insufficient to determine the role of this variant in disease. Therefore, it has been classified as a Variant of Uncertain Significance.

NM_004369.4(COL6A3):c.5705A>G (p.Asp1902Gly)

Gene: COL6A3 (collagen type VI alpha 3 chain; minus strand). Cytogenetic location: 2q37.3.
Variant type: single nucleotide variant.
Coding change: c.5705A>G on transcript NM_004369.4 (MANE Select); coding-DNA position 5705, A replaced by G.
Protein change: p.Asp1902Gly; replaces aspartic acid 1902 with glycine.
Molecular consequence: missense variant.
Genome position (GRCh38, 1-based): chr2:237,365,831, T>C on the plus strand (A>G on the coding strand, the complement: COL6A3 is on the minus strand). VCF-style: chr2-237365831-T-C. GRCh37 (hg19) VCF-style: chr2-238274474-T-C.
Other names: c.3884A>G, p.Asp1295Gly (NM_057166.5); c.5087A>G, p.Asp1696Gly (NM_057167.4); short protein forms D1295G, D1696G, D1902G.
Identifiers: ClinVar variation 1947978 (VCV001947978.5), dbSNP rs2077537959, ClinGen allele CA351185892.